The following is an entry in ClinVar:

NM_000112.4(SLC26A2):c.398C>T (p.Ala133Val)

Gene: SLC26A2 (solute carrier family 26 member 2; plus strand). Cytogenetic location: 5q32.
Variant type: single nucleotide variant.
Coding change: c.398C>T on transcript NM_000112.4 (MANE Select); coding-DNA position 398, C replaced by T.
Protein change: p.Ala133Val; replaces alanine 133 with valine.
Molecular consequence: missense variant.
Genome position (GRCh38, 1-based): chr5:149,978,050, C>T. VCF-style: chr5-149978050-C-T. GRCh37 (hg19) VCF-style: chr5-149357613-C-T.
Other names: short protein forms A133V.
Identifiers: ClinVar variation 4100 (VCV000004100.6), dbSNP rs267607055, ClinGen allele CA252998.

ClinVar aggregate classification (germline): Conflicting classifications of pathogenicity. Review status: criteria provided, conflicting classifications (1 of 4 stars). 5 submissions from 5 submitters: Pathogenic (1); Uncertain significance (3). 1 of the submissions does not count toward it. Last evaluated 2026-05-28.

Conditions:
SLC26A2-related skeletal dysplasia. Identifiers: MedGen CN379209, MONDO:0100592.
Multiple epiphyseal dysplasia type 4 (EDM4). Also called: Multiple Epiphyseal Dysplasia, Recessive; MULTIPLE EPIPHYSEAL DYSPLASIA WITH BILAYERED PATELLAE; MULTIPLE EPIPHYSEAL DYSPLASIA WITH CLUBFOOT; MULTIPLE EPIPHYSEAL DYSPLASIA, AUTOSOMAL RECESSIVE; SLC26A2-Related Multiple Epiphyseal Dysplasia. Identifiers: Orphanet 93307, MedGen C1847593, MONDO:0009189, OMIM 226900.
Diastrophic dysplasia (DTD). Also called: Diastrophic dwarfism. Identifiers: Orphanet 628, MedGen C0220726, MONDO:0009107, OMIM 222600.

Allele frequency attached by ClinVar (database versions not stated): TOPMed below 0.00001; gnomAD 0.00001; gnomAD exomes 0.00001.
gnomAD v4.1: 4 of 1,613,306 alleles (0.00025%); highest among the groups gnomAD compares: African/African-American, 0.0013%; no homozygotes.

Submissions (5):

Myriad Genetics, Inc.
Classification: Uncertain significance for SLC26A2-related skeletal dysplasia. Last evaluated: 2026-05-28. Review status: criteria provided, single submitter. Criteria: Myriad Autosomal Dominant, Autosomal Recessive and X-Linked Classification Criteria (2023). Collection method: clinical testing. Allele origin: unknown.
Comment: NM_000112.3(SLC26A2):c.398C>T(A133V) is a missense variant classified as a variant of uncertain significance in the context of SLC26A2-related disorders. A133V has been observed in cases with relevant disease (PMID: 18925670, 42074581). Relevant functional assessments of this variant are not available in the literature. A133V has been observed in referenced population frequency databases. In summary, there is insufficient evidence to classify NM_000112.3(SLC26A2):c.398C>T(A133V) as pathogenic or benign. Please note: this variant was assessed in the context of healthy population screening.

Laboratory of Functional Genomics, Research Centre for Medical Genetics
Classification: Pathogenic for Multiple epiphyseal dysplasia type 4. Last evaluated: 2025-11-25. Review status: criteria provided, single submitter. Criteria: ACMG Guidelines, 2015. Collection method: clinical testing. Allele origin: germline. Inheritance: Autosomal recessive inheritance. Affected: yes. Observed: 1 variant allele.
Comment: This variant is present in the gnomAD v4.1.0 database with a total AF of 2.48e-6 (4/1613306 alleles). The pathogenic effect of the variant is confirmed by the results of more than three in silico prediction programs (MetaLR 0.91). Furthermore, this variant was reported by Panzer et al., 2008 in a patient with a p.Arg178Ter variant, presenting an intermediate phenotype between Desbuquois Dysplasia and diastrophic dysplasia (DTD).

Women's Health and Genetics/Laboratory Corporation of America, LabCorp
Classification: Uncertain significance. Last evaluated: 2024-03-15. Review status: criteria provided, single submitter. Criteria: LabCorp Variant Classification Summary - May 2015. Collection method: clinical testing. Allele origin: germline.
Comment: Variant summary: SLC26A2 c.398C>T (p.Ala133Val) results in a non-conservative amino acid change located in the SLC26A/SulP transporter domain (IPR011547) of the encoded protein sequence. Five of five in-silico tools predict a damaging effect of the variant on protein function. The variant allele was found at a frequency of 8e-06 in 250866 control chromosomes. The available data on variant occurrences in the general population are insufficient to allow any conclusion about variant significance. c.398C>T has been reported in the literature in at least one compound heterozygous infant affected with clinical features intermediate between Desbuquois dysplasia and diastrophic dysplasia (e.g. Panzer_2008). These data do not allow any conclusion about variant significance. To our knowledge, no experimental evidence demonstrating an impact on protein function has been reported. The following publication has been ascertained in the context of this evaluation (PMID: 18925670). ClinVar contains an entry for this variant (Variation ID: 4100). Based on the evidence outlined above, the variant was classified as uncertain significance.

Blueprint Genetics
Classification: Uncertain significance. Last evaluated: 2021-05-26. Review status: criteria provided, single submitter. Criteria: ACMG Guidelines, 2015. Collection method: clinical testing. Allele origin: germline.

OMIM
Classification: Pathogenic for DIASTROPHIC DYSPLASIA. Last evaluated: 2008-11-15. Review status: no assertion criteria provided. Collection method: literature only. Allele origin: germline. Not counted in ClinVar's aggregate classification.

Literature cited by the submitters: PubMed 18925670 (cited by 4 submitters); PubMed 42074581 (cited by Myriad Genetics, Inc.).